The following is an entry in ClinVar:

ClinVar aggregate classification (germline): Uncertain significance (1 of 4 stars; one submission).

gnomAD v4.1: 2 of 1,612,746 alleles (0.00012%); highest among the groups gnomAD compares: Admixed American, 0.0017%; no homozygotes.

Submission:

Labcorp Genetics (formerly Invitae), Labcorp
Classification: Uncertain significance. Last evaluated: 2025-09-12. Review status: criteria provided, single submitter. Criteria: Invitae Variant Classification Sherloc (09022015). Collection method: clinical testing. Allele origin: germline.
Comment: This sequence change replaces tyrosine, which is neutral and polar, with histidine, which is basic and polar, at codon 729 of the YME1L1 protein (p.Tyr729His). This variant is present in population databases (rs749569974, gnomAD 0.003%). This variant has not been reported in the literature in individuals affected with YME1L1-related conditions. An algorithm developed to predict the effect of missense changes on protein structure and function (PolyPhen-2) suggests that this variant is likely to be disruptive. In summary, the available evidence is currently insufficient to determine the role of this variant in disease. Therefore, it has been classified as a Variant of Uncertain Significance.

NM_014263.4(YME1L1):c.2014T>C (p.Tyr672His)

Gene: YME1L1 (YME1 like 1 ATPase; minus strand). Cytogenetic location: 10p12.1.
Variant type: single nucleotide variant.
Coding change: c.2014T>C on transcript NM_014263.4 (MANE Select); coding-DNA position 2014, T replaced by C.
Protein change: p.Tyr672His; replaces tyrosine 672 with histidine.
Molecular consequence: missense variant.
Genome position (GRCh38, 1-based): chr10:27,112,114, A>G on the plus strand (T>C on the coding strand, the complement: YME1L1 is on the minus strand). VCF-style: chr10-27112114-A-G. GRCh37 (hg19) VCF-style: chr10-27401043-A-G.
Other names: c.1915T>C, p.Tyr639His (NM_001253866.2); c.2185T>C, p.Tyr729His (NM_139312.3); short protein forms Y729H, Y639H, Y672H.
Identifiers: ClinVar variation 4726560 (VCV004726560.1).